The following is an entry in ClinVar:

NM_001111125.3(IQSEC2):c.1874G>A (p.Gly625Asp)

Gene: IQSEC2 (IQ motif and Sec7 domain ArfGEF 2; minus strand). Cytogenetic location: Xp11.22.
Variant type: single nucleotide variant.
Coding change: c.1874G>A on transcript NM_001111125.3 (MANE Select); coding-DNA position 1874, G replaced by A.
Protein change: p.Gly625Asp; replaces glycine 625 with aspartic acid.
Molecular consequence: missense variant.
Genome position (GRCh38, 1-based): chrX:53,250,702, C>T on the plus strand (G>A on the coding strand, the complement: IQSEC2 is on the minus strand). VCF-style: chrX-53250702-C-T. GRCh37 (hg19) VCF-style: chrX-53279884-C-T.
Other names: c.1874G>A, p.Gly625Asp (NM_001410736.1); c.1259G>A, p.Gly420Asp (NM_015075.2); short protein forms G420D, G625D.
Identifiers: ClinVar variation 1879765 (VCV001879765.29), dbSNP rs2519802995, ClinGen allele CA413163048.

ClinVar aggregate classification (germline): Uncertain significance (1 of 4 stars; one submission).

Submission:

CeGaT Center for Human Genetics Tuebingen
Classification: Uncertain significance. Last evaluated: 2022-10-01. Review status: criteria provided, single submitter. Criteria: CeGaT Center For Human Genetics Tuebingen Variant Classification Criteria Version 2. Collection method: clinical testing. Allele origin: germline. Affected: yes. Observed: 1 variant allele.
Comment: IQSEC2: PM2, PP2